The following is an entry in ClinVar:

NM_021978.4(ST14):c.976G>A (p.Gly326Ser)

Gene: ST14 (ST14 transmembrane serine protease matriptase; plus strand). Cytogenetic location: 11q24.3.
Variant type: single nucleotide variant.
Coding change: c.976G>A on transcript NM_021978.4 (MANE Select); coding-DNA position 976, G replaced by A.
Protein change: p.Gly326Ser; replaces glycine 326 with serine.
Molecular consequence: missense variant.
Genome position (GRCh38, 1-based): chr11:130,194,249, G>A. VCF-style: chr11-130194249-G-A. GRCh37 (hg19) VCF-style: chr11-130064144-G-A.
Other names: short protein forms G326S.
Identifiers: ClinVar variation 3371423 (VCV003371423.1).

ClinVar aggregate classification (germline): Uncertain significance (1 of 4 stars; one submission).

gnomAD v4.1: 3 of 1,614,126 alleles (0.00019%); highest among the groups gnomAD compares: African/African-American, 0.0027%; no homozygotes.

Submission:

GeneDx
Classification: Uncertain significance. Last evaluated: 2024-03-26. Review status: criteria provided, single submitter. Criteria: GeneDx Variant Classification Process June 2021. Collection method: clinical testing. Allele origin: germline. Affected: yes.
Comment: Has not been previously published as pathogenic or benign to our knowledge; Not observed at significant frequency in large population cohorts (gnomAD); In silico analysis supports that this missense variant has a deleterious effect on protein structure/function